The following is an entry in ClinVar:

NM_024528.4(NKAP):c.250C>T (p.Pro84Ser)

Gene: NKAP (NFKB activating protein; minus strand). Cytogenetic location: Xq24.
Variant type: single nucleotide variant.
Coding change: c.250C>T on transcript NM_024528.4 (MANE Select); coding-DNA position 250, C replaced by T.
Protein change: p.Pro84Ser; replaces proline 84 with serine.
Molecular consequence: missense variant.
Genome position (GRCh38, 1-based): chrX:119,943,356, G>A on the plus strand (C>T on the coding strand, the complement: NKAP is on the minus strand). VCF-style: chrX-119943356-G-A. GRCh37 (hg19) VCF-style: chrX-119077319-G-A.
Other names: short protein forms P84S.
Identifiers: ClinVar variation 3241991 (VCV003241991.1), dbSNP rs2521710156.
Genomic context (GRCh38, chrX:119,943,356, plus strand): 5'-AGCTGCCGTAATAGACTGACGAGGAGGCAGAAGCGAAGGGGATGCCCCGGGGCGCAGAGG[G>A]CCGCTCTCTAGAACGCGACCGCGAGCGTGAGCGGTAGGACTGGTTTCGGGAGCCTTGGCT-3'
Protein context (NP_078804.2, residues 74-94): SRSRSRSRER[Pro84Ser]SAPRGIPFAS

ClinVar aggregate classification (germline): Uncertain significance (1 of 4 stars; one submission).

Conditions:
Intellectual developmental disorder, X-linked, syndromic, Hackmann-Di Donato type. Also called: MENTAL RETARDATION, X-LINKED, WITH MARFANOID HABITUS, 2. Identifiers: Orphanet 700325, MedGen C5393302, MONDO:0026733, OMIM 301039.

Allele frequency attached by ClinVar (database versions not stated): gnomAD exomes below 0.00001.

Submission:

Neuberg Centre For Genomic Medicine, NCGM
Classification: Uncertain significance for Intellectual developmental disorder, X-linked, syndromic, Hackmann-Di Donato type. Review status: criteria provided, single submitter. Criteria: ACMG Guidelines, 2015. Collection method: clinical testing. Allele origin: germline. Inheritance: X-linked recessive inheritance. Affected: yes.
Comment: The observed missense c.250C>T(p.Pro84Ser) variant in NKAP gene has not been reported previously as a pathogenic variant nor as a benign variant, to our knowledge. This variant is absent in gnomAD Exomes. The amino acid Pro at position 84 is changed to a Ser changing protein sequence and it might alter its composition and physico-chemical properties. The amino acid change p.Pro84Ser in NKAP is predicted as conserved by GERP++ and PhyloP across 100 vertebrates. The variant is predicted as damaging by SIFT. For these reasons, this variant has been classified as Uncertain Significance.